The following is an entry in ClinVar:

ClinVar aggregate classification (germline): Uncertain significance (1 of 4 stars; one submission).

Conditions:
Developmental and epileptic encephalopathy, 21 (DEE21). Also called: Early infantile epileptic encephalopathy 21. Identifiers: Orphanet 442835, MedGen C4014430, MONDO:0014360, OMIM 615833.

Allele frequency attached by ClinVar (database versions not stated): gnomAD exomes below 0.00001.
gnomAD v4.1: 1 of 1,610,344 alleles (0.000062%); highest among the groups gnomAD compares: Non-Finnish European, 0.000085%; no homozygotes.

Submission:

Labcorp Genetics (formerly Invitae), Labcorp
Classification: Uncertain significance for Developmental and epileptic encephalopathy, 21. Last evaluated: 2024-10-15. Review status: criteria provided, single submitter. Criteria: Invitae Variant Classification Sherloc (09022015). Collection method: clinical testing. Allele origin: germline.
Comment: This sequence change replaces threonine, which is neutral and polar, with proline, which is neutral and non-polar, at codon 196 of the NECAP1 protein (p.Thr196Pro). This variant is not present in population databases (gnomAD no frequency). This variant has not been reported in the literature in individuals affected with NECAP1-related conditions. ClinVar contains an entry for this variant (Variation ID: 2044348). An algorithm developed to predict the effect of missense changes on protein structure and function (PolyPhen-2) suggests that this variant is likely to be tolerated. In summary, the available evidence is currently insufficient to determine the role of this variant in disease. Therefore, it has been classified as a Variant of Uncertain Significance.

NM_015509.4(NECAP1):c.586A>C (p.Thr196Pro)

Gene: NECAP1 (NECAP endocytosis associated 1; plus strand). Cytogenetic location: 12p13.31.
Variant type: single nucleotide variant.
Coding change: c.586A>C on transcript NM_015509.4 (MANE Select); coding-DNA position 586, A replaced by C.
Protein change: p.Thr196Pro; replaces threonine 196 with proline.
Molecular consequence: missense variant. On other transcripts: non-coding transcript variant (1).
Genome position (GRCh38, 1-based): chr12:8,092,965, A>C. VCF-style: chr12-8092965-A-C. GRCh37 (hg19) VCF-style: chr12-8245561-A-C.
Other names: short protein forms T196P.
Identifiers: ClinVar variation 2044348 (VCV002044348.4), dbSNP rs2498179668, ClinGen allele CA383800652.